The following is an entry in ClinVar:

ClinVar aggregate classification (germline): Conflicting classifications of pathogenicity. Review status: criteria provided, conflicting classifications (1 of 4 stars). 5 submissions from 5 submitters: Uncertain significance (4); Likely benign (1). Last evaluated 2026-07-07.

Conditions:
Familial thoracic aortic aneurysm and aortic dissection (TAAD). Also called: Thoracic aortic aneurysms and dissections. Identifiers: Orphanet 91387, MedGen C4707243, MONDO:0019625.
Ehlers-Danlos syndrome, type 4 (EDSVASC). Also called: Ehlers-Danlos syndrome vascular type; Ehlers Danlos syndrome, ecchymotic type; Ehlers Danlos syndrome, arterial type; Ehlers Danlos syndrome, Sack-Barabas type; Ehlers-Danlos Syndrome Type IV. Identifiers: Orphanet 286, MedGen C0268338, MONDO:0017314, OMIM 130050.

Allele frequency attached by ClinVar (database versions not stated): gnomAD 0.00001; gnomAD exomes 0.00001 and 0.00005; TOPMed 0.00001; ExAC 0.00005.
gnomAD v4.1: 9 of 1,551,722 alleles (0.00058%); highest among the groups gnomAD compares: Admixed American, 0.014%; no homozygotes.

Submissions (5):

Ambry Genetics
Classification: Likely benign for Familial thoracic aortic aneurysm and aortic dissection. Last evaluated: 2026-07-07. Review status: criteria provided, single submitter. Criteria: Ambry Variant Classification Scheme 2023. Collection method: clinical testing. Allele origin: germline.

Color Diagnostics, LLC DBA Color Health
Classification: Uncertain significance for Familial thoracic aortic aneurysm and aortic dissection. Last evaluated: 2025-10-03. Review status: criteria provided, single submitter. Criteria: ACMG Guidelines, 2015. Collection method: clinical testing. Allele origin: germline.
Comment: This missense variant replaces alanine with serine at codon 829 of the COL3A1 protein. Computational prediction suggests that this variant may not impact protein structure and function. To our knowledge, functional studies have not been reported for this variant. This variant has not been reported in individuals affected with COL3A1-related disorders in the literature. This variant has been identified in 8/156742 chromosomes in the general population by the Genome Aggregation Database (gnomAD). The available evidence is insufficient to determine the role of this variant in disease conclusively. Therefore, this variant is classified as a Variant of Uncertain Significance.

GeneDx
Classification: Uncertain significance. Last evaluated: 2024-01-09. Review status: criteria provided, single submitter. Criteria: GeneDx Variant Classification Process June 2021. Collection method: clinical testing. Allele origin: germline. Affected: yes.
Comment: In silico analysis supports that this missense variant does not alter protein structure/function; Has not been previously published as pathogenic or benign to our knowledge; Occurs in the triple helical domain at the X position in the canonical Gly-X-Y repeat; although this variant may have an effect on normal protein folding and function, missense substitution at the X position is not a common mechanism of disease (HGMD)

All of Us Research Program, National Institutes of Health
Classification: Uncertain significance for Ehlers-Danlos syndrome, type 4. Last evaluated: 2023-10-02. Review status: criteria provided, single submitter. Criteria: ACMG Guidelines, 2015. Collection method: clinical testing. Allele origin: germline. Inheritance: Autosomal dominant inheritance. Observed: 5 variant alleles, 5 heterozygotes.
Comment: This missense variant replaces alanine with serine at codon 829 of the COL3A1 protein. Computational prediction suggests that this variant may not impact protein structure and function (internally defined REVEL score threshold <= 0.5, PMID: 27666373). To our knowledge, functional studies have not been reported for this variant. This variant has not been reported in individuals affected with COL3A1-related disorders in the literature. This variant has been identified in 8/156742 chromosomes in the general population by the Genome Aggregation Database (gnomAD). The available evidence is insufficient to determine the role of this variant in disease conclusively. Therefore, this variant is classified as a Variant of Uncertain Significance.

This study involves interpretation of variants in research participants for the purpose of population health screening. Participant phenotype was not available at the time of variant classification. Additional details can be found in publication PMID: 35346344, PMCID: PMC8962531

Labcorp Genetics (formerly Invitae), Labcorp
Classification: Uncertain significance for Ehlers-Danlos syndrome, type 4. Last evaluated: 2023-09-28. Review status: criteria provided, single submitter. Criteria: Invitae Variant Classification Sherloc (09022015). Collection method: clinical testing. Allele origin: germline.
Comment: ClinVar contains an entry for this variant (Variation ID: 199731). In summary, the available evidence is currently insufficient to determine the role of this variant in disease. Therefore, it has been classified as a Variant of Uncertain Significance. Advanced modeling of protein sequence and biophysical properties (such as structural, functional, and spatial information, amino acid conservation, physicochemical variation, residue mobility, and thermodynamic stability) performed at Invitae indicates that this missense variant is not expected to disrupt COL3A1 protein function. This variant has not been reported in the literature in individuals affected with COL3A1-related conditions. This variant is present in population databases (rs755676319, gnomAD 0.02%). This sequence change replaces alanine, which is neutral and non-polar, with serine, which is neutral and polar, at codon 829 of the COL3A1 protein (p.Ala829Ser).

NM_000090.4(COL3A1):c.2485G>T (p.Ala829Ser)

Gene: COL3A1 (collagen type III alpha 1 chain; plus strand). Cytogenetic location: 2q32.2.
Variant type: single nucleotide variant.
Coding change: c.2485G>T on transcript NM_000090.4 (MANE Select); coding-DNA position 2485, G replaced by T.
Protein change: p.Ala829Ser; replaces alanine 829 with serine.
Molecular consequence: missense variant.
Genome position (GRCh38, 1-based): chr2:189,002,994, G>T. VCF-style: chr2-189002994-G-T. GRCh37 (hg19) VCF-style: chr2-189867720-G-T.
Other names: p.A829S:GCT>TCT; short protein forms A829S.
Identifiers: ClinVar variation 199731 (VCV000199731.14), dbSNP rs755676319, ClinGen allele CA005410.
Genomic context (GRCh38, chr2:189,002,994, plus strand): 5'-TGCTGTTGTTGTTGCATGTAGGGACAGAATGGTGAACCTGGTGGTAAAGGAGAAAGAGGG[G>T]CTCCGGGTGAGAAAGGTGAAGGAGGCCCTCCTGGAGTTGCAGGACCCCCTGGAGGTTCTG-3'
Protein context (NP_000081.2, residues 819-839): GEPGGKGERG[Ala829Ser]PGEKGEGGPP